The following is an entry in ClinVar:

ClinVar aggregate classification (germline): Pathogenic (1 of 4 stars; one submission).

Conditions:
Early-infantile DEE. Also called: Early infantile epileptic encephalopathy with suppression bursts; Early infantile epileptic encephalopathy; Ohtahara syndrome. Identifiers: Orphanet 1934, MedGen C0393706, MONDO:0800491.

Submission:

Labcorp Genetics (formerly Invitae), Labcorp
Classification: Pathogenic for Early-infantile DEE. Last evaluated: 2018-11-14. Review status: criteria provided, single submitter. Criteria: Invitae Variant Classification Sherloc (09022015). Collection method: clinical testing. Allele origin: germline.
Comment: For these reasons, this variant has been classified as Pathogenic. This sequence change replaces proline with alanine at codon 335 of the KCNQ2 protein (p.Pro335Ala). The proline residue is highly conserved and there is a small physicochemical difference between proline and alanine. This variant is not present in population databases (ExAC no frequency). Algorithms developed to predict the effect of missense changes on protein structure and function are either unavailable or do not agree on the potential impact of this missense change (SIFT: "Deleterious"; PolyPhen-2: "Possibly Damaging"; Align-GVGD: "Class C0"). This variant disrupts the p.Pro335 amino acid residue in KCNQ2. Another variant that disrupts this residue has been observed in affected individuals (Invitae, PMID: 28867141), suggesting that it is a clinically significant residue. As a result, variants that disrupt this residue are likely to be causative of disease.

NM_172107.4(KCNQ2):c.1003C>G (p.Pro335Ala)

Gene: KCNQ2 (potassium voltage-gated channel subfamily Q member 2; minus strand). Cytogenetic location: 20q13.33.
Variant type: single nucleotide variant.
Coding change: c.1003C>G on transcript NM_172107.4 (MANE Select); coding-DNA position 1003, C replaced by G.
Protein change: p.Pro335Ala; replaces proline 335 with alanine.
Molecular consequence: missense variant.
Genome position (GRCh38, 1-based): chr20:63,438,645, G>C on the plus strand (C>G on the coding strand, the complement: KCNQ2 is on the minus strand). VCF-style: chr20-63438645-G-C. GRCh37 (hg19) VCF-style: chr20-62069998-G-C.
Other names: c.1003C>G, p.Pro335Ala (NM_004518.6, NM_172106.3, NM_172108.5 and 1 more transcripts); short protein forms P335A.
Identifiers: ClinVar variation 646824 (VCV000646824.9), dbSNP rs1555869700, ClinGen allele CA409652084.